The following is an entry in ClinVar:

ClinVar aggregate classification (germline): Uncertain significance (1 of 4 stars; one submission).

Conditions:
Cardiovascular phenotype. Identifiers: MedGen CN230736.

Allele frequency attached by ClinVar (database versions not stated): gnomAD exomes below 0.00001.
gnomAD v4.1: 1 of 1,212,171 alleles (0.000082%); highest among the groups gnomAD compares: African/African-American, 0.0017%; no homozygotes.

Submission:

Ambry Genetics
Classification: Uncertain significance for Cardiovascular phenotype. Last evaluated: 2023-07-27. Review status: criteria provided, single submitter. Criteria: Ambry Variant Classification Scheme 2023. Collection method: clinical testing. Allele origin: germline.
Comment: The p.V342A variant (also known as c.1025T>C), located in coding exon 7 of the BGN gene, results from a T to C substitution at nucleotide position 1025. The valine at codon 342 is replaced by alanine, an amino acid with similar properties. This amino acid position is conserved. In addition, this alteration is predicted to be tolerated by in silico analysis. Since supporting evidence is limited at this time, the clinical significance of this alteration remains unclear.

NM_001711.6(BGN):c.1025T>C (p.Val342Ala)

Gene: BGN (biglycan; plus strand). Cytogenetic location: Xq28.
Variant type: single nucleotide variant.
Coding change: c.1025T>C on transcript NM_001711.6 (MANE Select); coding-DNA position 1025, T replaced by C.
Protein change: p.Val342Ala; replaces valine 342 with alanine.
Molecular consequence: missense variant.
Genome position (GRCh38, 1-based): chrX:153,508,363, T>C. VCF-style: chrX-153508363-T-C. GRCh37 (hg19) VCF-style: chrX-152773821-T-C.
Other names: short protein forms V342A.
Identifiers: ClinVar variation 2626585 (VCV002626585.2), dbSNP rs2089818671, ClinGen allele CA415071882.
Genomic context (GRCh38, chrX:153,508,363, plus strand): 5'-CCATGGGCTTCGGGGTGAAGCGGGCCTACTACAACGGCATCAGCCTCTTCAACAACCCCG[T>C]GCCCTACTGGGAGGTGCAGCCGGCCACTTTCCGCTGCGTCACTGACCGCCTGGCCATCCA-3'
Protein context (NP_001702.1, residues 332-352): YNGISLFNNP[Val342Ala]PYWEVQPATF